The following is an entry in ClinVar:

NM_198947.4(FAM111B):c.1262_1264del (p.Lys421del)

Gene: FAM111B (FAM111 trypsin like peptidase B; plus strand). Cytogenetic location: 11q12.1.
Variant type: Deletion.
Coding change: c.1262_1264del on transcript NM_198947.4 (MANE Select); coding-DNA positions 1262 to 1264, 3 bases deleted (AGA; older notation c.1262_1264delAGA).
Protein change: p.Lys421del; deletes lysine 421.
Molecular consequence: inframe deletion.
Genome position (GRCh38, 1-based): chr11:59,125,359-59,125,361, AGA deleted; deleting any 3 consecutive bases within chr11:59,125,358-59,125,361 gives the same sequence; the c. name uses the placement nearest the transcript's 3' end. VCF-style (leftmost placement, unchanged base first): chr11-59125357-AAAG-A. GRCh37 (hg19) VCF-style: chr11-58892830-AAAG-A.
Other names: c.1172_1174del, p.Lys391del (NM_001142703.2, NM_001142704.2); short protein forms K421del, K391del.
Identifiers: ClinVar variation 265953 (VCV000265953.5), dbSNP rs886039851, ClinGen allele CA10588899.

ClinVar aggregate classification (germline): not provided (0 of 4 stars; one submission).

Conditions:
Hereditary sclerosing poikiloderma with tendon and pulmonary involvement. Also called: Poikiloderma, hereditary fibrosing, with tendon contractures, myopathy, and pulmonary fibrosis. Identifiers: Orphanet 221043, MedGen C3810325, MONDO:0014310, OMIM 615704.

Submission:

GeneReviews
No classification provided. Condition: Hereditary sclerosing poikiloderma with tendon and pulmonary involvement. Review status: no classification provided. Collection method: literature only. Allele origin: germline.
Comment: May be associated with less severe extracutaneous phenotype. Further studies are needed.

Literature cited by the submitters: PubMed 17034542; PubMed 24268661; PubMed 26471370; PubMed 26495788; PubMed 27406236; PubMed 27748098.